The following is an entry in ClinVar:

ClinVar aggregate classification (germline): Uncertain significance. Review status: criteria provided, multiple submitters, no conflicts (2 of 4 stars). 4 submissions from 4 submitters: Uncertain significance (4). Last evaluated 2025-09-01.

Conditions:
JAG1-related disorder. Also called: JAG1-related condition; JAG1-related disorders.
Cardiovascular phenotype. Identifiers: MedGen CN230736.
Alagille syndrome due to a JAG1 point mutation. Also called: Alagille Syndrome 1; JAG1-Related Alagille Syndrome; HEPATIC DUCTULAR HYPOPLASIA, SYNDROMATIC. Identifiers: Orphanet 261619, Orphanet 52, MedGen C1956125, MONDO:0016862, OMIM 118450.

Allele frequency attached by ClinVar (database versions not stated): gnomAD exomes below 0.00001; ESP Exome Variant Server 0.00008.
gnomAD v4.1: 5 of 1,614,206 alleles (0.00031%); highest among the groups gnomAD compares: Non-Finnish European, 0.00042%; no homozygotes.

Submissions (4):

Labcorp Genetics (formerly Invitae), Labcorp
Classification: Uncertain significance for Alagille syndrome due to a JAG1 point mutation. Last evaluated: 2025-09-01. Review status: criteria provided, single submitter. Criteria: Invitae Variant Classification Sherloc (09022015). Collection method: clinical testing. Allele origin: germline.
Comment: This sequence change replaces asparagine, which is neutral and polar, with threonine, which is neutral and polar, at codon 1113 of the JAG1 protein (p.Asn1113Thr). This variant is not present in population databases (gnomAD no frequency). This variant has not been reported in the literature in individuals affected with JAG1-related conditions. ClinVar contains an entry for this variant (Variation ID: 1025489). Invitae Evidence Modeling of protein sequence and biophysical properties (such as structural, functional, and spatial information, amino acid conservation, physicochemical variation, residue mobility, and thermodynamic stability) has been performed for this missense variant. However, the output from this modeling did not meet the statistical confidence thresholds required to predict the impact of this variant on JAG1 protein function. In summary, the available evidence is currently insufficient to determine the role of this variant in disease. Therefore, it has been classified as a Variant of Uncertain Significance.

Ambry Genetics
Classification: Uncertain significance for Cardiovascular phenotype. Last evaluated: 2025-04-23. Review status: criteria provided, single submitter. Criteria: Ambry Variant Classification Scheme 2023. Collection method: clinical testing. Allele origin: germline.
Comment: The p.N1113T variant (also known as c.3338A>C), located in coding exon 26 of the JAG1 gene, results from an A to C substitution at nucleotide position 3338. The asparagine at codon 1113 is replaced by threonine, an amino acid with similar properties. This amino acid position is conserved. In addition, the in silico prediction for this alteration is inconclusive. Based on the available evidence, the clinical significance of this variant remains unclear.

PreventionGenetics, part of Exact Sciences
Classification: Uncertain significance for JAG1-related condition. Last evaluated: 2022-08-25. Review status: criteria provided, single submitter. Criteria: ACMG Guidelines, 2015. Collection method: clinical testing. Allele origin: germline.
Comment: The JAG1 c.3338A>C variant is predicted to result in the amino acid substitution p.Asn1113Thr. To our knowledge, this variant has not been reported in the literature or in a large population database, indicating this variant is rare. At this time, the clinical significance of this variant is uncertain due to the absence of conclusive functional and genetic evidence.

Blueprint Genetics
Classification: Uncertain significance. Last evaluated: 2020-11-09. Review status: criteria provided, single submitter. Criteria: ACMG Guidelines, 2015. Collection method: clinical testing. Allele origin: germline.

NM_000214.3(JAG1):c.3338A>C (p.Asn1113Thr)

Gene: JAG1 (jagged canonical Notch ligand 1; minus strand). Cytogenetic location: 20p12.2.
Variant type: single nucleotide variant.
Coding change: c.3338A>C on transcript NM_000214.3 (MANE Select); coding-DNA position 3338, A replaced by C.
Protein change: p.Asn1113Thr; replaces asparagine 1113 with threonine.
Molecular consequence: missense variant.
Genome position (GRCh38, 1-based): chr20:10,639,817, T>G on the plus strand (A>C on the coding strand, the complement: JAG1 is on the minus strand). VCF-style: chr20-10639817-T-G. GRCh37 (hg19) VCF-style: chr20-10620465-T-G.
Other names: c.3338A>C (NM_000214.2); short protein forms N1113T.
Identifiers: ClinVar variation 1025489 (VCV001025489.9), dbSNP rs371118939, ClinGen allele CA311367461.